The following is an entry in ClinVar:

NM_014363.6(SACS):c.4393A>T (p.Lys1465Ter)

Gene: SACS (sacsin molecular chaperone; minus strand). Cytogenetic location: 13q12.12.
Variant type: single nucleotide variant.
Coding change: c.4393A>T on transcript NM_014363.6 (MANE Select); coding-DNA position 4393, A replaced by T.
Protein change: p.Lys1465Ter; replaces lysine 1465 with a stop codon.
Molecular consequence: nonsense.
Genome position (GRCh38, 1-based): chr13:23,339,483, T>A on the plus strand (A>T on the coding strand, the complement: SACS is on the minus strand). VCF-style: chr13-23339483-T-A. GRCh37 (hg19) VCF-style: chr13-23913622-T-A.
Other names: c.3952A>T, p.Lys1318Ter (NM_001278055.2); short protein forms K1465*, K1318*.
Identifiers: ClinVar variation 2861597 (VCV002861597.3), dbSNP rs2542282301, ClinGen allele CA387529186.

ClinVar aggregate classification (germline): Pathogenic (1 of 4 stars; one submission).

Conditions:
Spastic paraplegia. Identifiers: MedGen C0037772, HP:0001258.

Submission:

Labcorp Genetics (formerly Invitae), Labcorp
Classification: Pathogenic for Spastic paraplegia. Last evaluated: 2023-05-02. Review status: criteria provided, single submitter. Criteria: Invitae Variant Classification Sherloc (09022015). Collection method: clinical testing. Allele origin: germline.
Comment: For these reasons, this variant has been classified as Pathogenic. This variant disrupts a region of the SACS protein in which other variant(s) (p.Asn4549Asp) have been determined to be pathogenic (PMID: 15156359, 21507954). This suggests that this is a clinically significant region of the protein, and that variants that disrupt it are likely to be disease-causing. This variant has not been reported in the literature in individuals affected with SACS-related conditions. This variant is not present in population databases (gnomAD no frequency). This sequence change creates a premature translational stop signal (p.Lys1465*) in the SACS gene. While this is not anticipated to result in nonsense mediated decay, it is expected to disrupt the last 3115 amino acid(s) of the SACS protein.

Literature cited by the submitters: PubMed 15156359; PubMed 21507954.